The following is an entry in ClinVar:

ClinVar aggregate classification (germline): Likely benign. Review status: criteria provided, multiple submitters, no conflicts (2 of 4 stars). 4 submissions from 4 submitters: Likely benign (3). 1 of the submissions does not count toward it. Last evaluated 2026-05-01.

Conditions:
BBS7-related disorder. Also called: BBS7-related condition.
Bardet-Biedl syndrome (BBS). Identifiers: Orphanet 110, MedGen C0752166, MONDO:0015229.
Bardet-Biedl syndrome 7 (BBS7). Identifiers: Orphanet 110, MedGen C1859565, MONDO:0014435, OMIM 615984.

Allele frequency attached by ClinVar (database versions not stated): gnomAD exomes below 0.00001 and 0.00001; ExAC 0.00001; gnomAD 0.00001; TOPMed 0.00003.
gnomAD v4.1: 4 of 1,612,688 alleles (0.00025%); highest among the groups gnomAD compares: African/African-American, 0.0053%; no homozygotes.

Submissions (4):

CeGaT Center for Human Genetics Tuebingen
Classification: Likely benign. Last evaluated: 2026-05-01. Review status: criteria provided, single submitter. Criteria: CeGaT Center For Human Genetics Tuebingen Variant Classification Criteria Version 2. Collection method: clinical testing. Allele origin: germline. Affected: yes. Observed: 1 variant allele.
Comment: BBS7: BP4, BP7

Labcorp Genetics (formerly Invitae), Labcorp
Classification: Likely benign for Bardet-Biedl syndrome. Last evaluated: 2025-01-29. Review status: criteria provided, single submitter. Criteria: Invitae Variant Classification Sherloc (09022015). Collection method: clinical testing. Allele origin: germline.

Fulgent Genetics
Classification: Likely benign for Bardet-Biedl syndrome 7. Last evaluated: 2022-04-29. Review status: criteria provided, single submitter. Criteria: ACMG Guidelines, 2015. Collection method: clinical testing. Allele origin: unknown.

PreventionGenetics, part of Exact Sciences
Classification: Likely benign for BBS7-related condition. Last evaluated: 2020-08-21. Review status: no assertion criteria provided. Collection method: clinical testing. Allele origin: germline. Not counted in ClinVar's aggregate classification.
Comment: This variant is classified as likely benign based on ACMG/AMP sequence variant interpretation guidelines (Richards et al. 2015 PMID: 25741868, with internal and published modifications).

NM_176824.3(BBS7):c.1056G>A (p.Leu352=)

Gene: BBS7 (Bardet-Biedl syndrome 7; minus strand). Cytogenetic location: 4q27.
Variant type: single nucleotide variant.
Coding change: c.1056G>A on transcript NM_176824.3 (MANE Select); coding-DNA position 1056, G replaced by A.
Protein change: p.Leu352=; no amino-acid change (leucine 352 retained).
Molecular consequence: synonymous variant.
Genome position (GRCh38, 1-based): chr4:121,845,678, C>T on the plus strand (G>A on the coding strand, the complement: BBS7 is on the minus strand). VCF-style: chr4-121845678-C-T. GRCh37 (hg19) VCF-style: chr4-122766833-C-T.
Other names: c.1056G>A (NM_176824.2); c.1056G>A, p.Leu352= (NM_018190.4).
Identifiers: ClinVar variation 1088568 (VCV001088568.12), dbSNP rs377163503, ClinGen allele CA3064323.
Genomic context (GRCh38, chr4:121,845,678, plus strand): 5'-TGCTTTGCTTGATTGAGAAGACTGTTGATAATTCTCTCTTTCCTGCAATACCTTATACTG[C>T]AAATGTTCCAACTCATTCCTGGAGAAAAACACATACAAATTTGTCAAATATAAGTATAAA-3'
Protein context (NP_789794.1, residues 342-362): ISSLRNELEH[Leu352=]QYKVLQEREN